The following is an entry in ClinVar:

ClinVar aggregate classification (germline): Uncertain significance (0 of 4 stars; one submission).

Submission:

Department of Pathology and Laboratory Medicine, Sinai Health System
Classification: Uncertain significance. Review status: no assertion criteria provided. Collection method: clinical testing. Allele origin: unknown. Affected: yes. Study: The Canadian Open Genetics Repository (COGR).
Comment: The JUP p.Thr412Ala variant was not identified in the literature nor was it identified in dbSNP, ClinVar or in the following control databases: the 1000 Genomes Project, the NHLBI GO Exome Sequencing Project, or the Genome Aggregation Database (March 6, 2019, v2.1.1). The p.Thr412 residue is conserved in mammals but not in more distantly related organisms however four out of five computational analyses (PolyPhen-2, SIFT, AlignGVGD, BLOSUM, MutationTaster) do not suggest a high likelihood of impact to the protein; this information is not predictive enough to rule out pathogenicity. The variant occurs outside of the splicing consensus sequence and in silico or computational prediction software programs (SpliceSiteFinder, MaxEntScan, NNSPLICE, GeneSplicer) do not predict a difference in splicing. In summary, based on the above information the clinical significance of this variant cannot be determined with certainty at this time. This variant is classified as a variant of uncertain significance.

NM_002230.4(JUP):c.1234A>G (p.Thr412Ala)

Gene: JUP (junction plakoglobin; minus strand). Cytogenetic location: 17q21.2.
Variant type: single nucleotide variant.
Coding change: c.1234A>G on transcript NM_002230.4 (MANE Select); coding-DNA position 1234, A replaced by G.
Protein change: p.Thr412Ala; replaces threonine 412 with alanine.
Molecular consequence: missense variant.
Genome position (GRCh38, 1-based): chr17:41,763,246, T>C on the plus strand (A>G on the coding strand, the complement: JUP is on the minus strand). VCF-style: chr17-41763246-T-C. GRCh37 (hg19) VCF-style: chr17-39919498-T-C.
Other names: c.1234A>G, p.Thr412Ala (NM_001352773.2, NM_001352774.2, NM_001352775.2 and 3 more transcripts); short protein forms T412A.
Identifiers: ClinVar variation 1049802 (VCV001049802.1), dbSNP rs2143564484, ClinGen allele CA399497853.